The following is an entry in ClinVar:

ClinVar aggregate classification (germline): Benign/Likely benign. Review status: criteria provided, multiple submitters, no conflicts (2 of 4 stars). 4 submissions from 4 submitters: Benign (1); Likely benign (3). Last evaluated 2025-06-30.

Conditions:
Hereditary cancer-predisposing syndrome. Also called: Tumor predisposition; Neoplastic Syndromes, Hereditary; Hereditary Cancer Syndrome; Hereditary neoplastic syndrome. Identifiers: Orphanet 140162, MedGen C0027672, MeSH D009386, MONDO:0015356.
Lynch syndrome 5 (LYNCH5). Also called: Colorectal cancer, hereditary nonpolyposis, type 5; Hereditary non-polyposis colorectal cancer, type 5. Identifiers: Orphanet 144, MedGen C1833477, MONDO:0013710, OMIM 614350. Disease mechanism: loss of function.
Hereditary nonpolyposis colorectal neoplasms. Identifiers: MedGen C0009405, MeSH D003123.

Submissions (4):

Labcorp Genetics (formerly Invitae), Labcorp
Classification: Likely benign for Hereditary nonpolyposis colorectal neoplasms. Last evaluated: 2025-06-30. Review status: criteria provided, single submitter. Criteria: Invitae Variant Classification Sherloc (09022015). Collection method: clinical testing. Allele origin: germline.

Myriad Genetics, Inc.
Classification: Likely benign for Lynch syndrome 5. Last evaluated: 2024-12-19. Review status: criteria provided, single submitter. Criteria: Myriad Autosomal Dominant, Autosomal Recessive and X-Linked Classification Criteria (2023). Collection method: clinical testing. Allele origin: unknown.
Comment: This variant is considered likely benign. This variant is intronic and is not expected to impact mRNA splicing.

Color Diagnostics, LLC DBA Color Health
Classification: Likely benign for Hereditary cancer-predisposing syndrome. Last evaluated: 2024-08-12. Review status: criteria provided, single submitter. Criteria: ACMG Guidelines, 2015. Collection method: clinical testing. Allele origin: germline.

Ambry Genetics
Classification: Benign for Hereditary cancer-predisposing syndrome. Last evaluated: 2022-01-24. Review status: criteria provided, single submitter. Criteria: Ambry Variant Classification Scheme 2023. Collection method: clinical testing. Allele origin: germline.

NM_000179.3(MSH6):c.628-4G>C

Gene: MSH6 (mutS homolog 6; plus strand). Cytogenetic location: 2p16.3.
Variant type: single nucleotide variant.
Coding change: c.628-4G>C on transcript NM_000179.3 (MANE Select); 4 bases into the intron before coding-DNA position 628, G replaced by C.
Molecular consequence: intron variant.
Genome position (GRCh38, 1-based): chr2:47,798,607, G>C. VCF-style: chr2-47798607-G-C. GRCh37 (hg19) VCF-style: chr2-48025746-G-C.
Other names: c.-279-4G>C (NM_001281493.2); c.238-4G>C (NM_001281492.2); c.-275-8G>C (NM_001281494.2).
Identifiers: ClinVar variation 1101111 (VCV001101111.13), dbSNP rs1572719700, ClinGen allele CA2499216094.